The following is an entry in ClinVar:

NM_001252024.2(TRPM1):c.4292del (p.Gly1431fs)

Gene: TRPM1 (transient receptor potential cation channel subfamily M member 1; minus strand). Cytogenetic location: 15q13.3.
Variant type: Deletion.
Coding change: c.4292del on transcript NM_001252024.2 (MANE Select); coding-DNA position 4292, one base deleted (G; older notation c.4292delG).
Protein change: p.Gly1431fs; shifts the reading frame from glycine 1431.
Molecular consequence: frameshift variant.
Genome position (GRCh38, 1-based): chr15:31,002,408, C deleted on the plus strand (G on the coding strand, the reverse complement: TRPM1 is on the minus strand); the first of 2 consecutive C bases (chr15:31,002,408-31,002,409); deleting either gives the same sequence. VCF-style (leftmost placement, unchanged base first): chr15-31002407-GC-G. GRCh37 (hg19) VCF-style: chr15-31294610-GC-G.
Other names: c.4343del, p.Gly1448fs (NM_001252020.2); c.4226del, p.Gly1409fs (NM_002420.6); short protein forms G1431fs, G1409fs, G1448fs.
Identifiers: ClinVar variation 1419751 (VCV001419751.6), dbSNP rs1405887178, ClinGen allele CA617553007.

ClinVar aggregate classification (germline): Uncertain significance (1 of 4 stars; one submission).

Submission:

Labcorp Genetics (formerly Invitae), Labcorp
Classification: Uncertain significance. Last evaluated: 2022-04-24. Review status: criteria provided, single submitter. Criteria: Invitae Variant Classification Sherloc (09022015). Collection method: clinical testing. Allele origin: germline.
Comment: In summary, the available evidence is currently insufficient to determine the role of this variant in disease. Therefore, it has been classified as a Variant of Uncertain Significance. Experimental studies and prediction algorithms are not available or were not evaluated, and the functional significance of this variant is currently unknown. This variant has not been reported in the literature in individuals affected with TRPM1-related conditions. This variant is present in population databases (no rsID available, gnomAD 0.007%). This sequence change creates a premature translational stop signal (p.Gly1409Alafs*27) in the TRPM1 gene. While this is not anticipated to result in nonsense mediated decay, it is expected to disrupt the last 195 amino acid(s) of the TRPM1 protein.